The following is an entry in ClinVar:

NM_177438.3(DICER1):c.973A>G (p.Met325Val)

Gene: DICER1 (dicer 1, ribonuclease III; minus strand). Cytogenetic location: 14q32.13.
Variant type: single nucleotide variant.
Coding change: c.973A>G on transcript NM_177438.3 (MANE Select); coding-DNA position 973, A replaced by G.
Protein change: p.Met325Val; replaces methionine 325 with valine.
Molecular consequence: missense variant.
Genome position (GRCh38, 1-based): chr14:95,124,599, T>C on the plus strand (A>G on the coding strand, the complement: DICER1 is on the minus strand). VCF-style: chr14-95124599-T-C. GRCh37 (hg19) VCF-style: chr14-95590936-T-C.
Other names: c.973A>G, p.Met325Val (NM_001195573.1, NM_001271282.3, NM_001291628.2 and 1 more transcripts); short protein forms M325V.
Identifiers: ClinVar variation 543617 (VCV000543617.11), dbSNP rs1555374801, ClinGen allele CA390887257.

ClinVar aggregate classification (germline): Uncertain significance. Review status: criteria provided, multiple submitters, no conflicts (2 of 4 stars). 2 submissions from 2 submitters: Uncertain significance (2). Last evaluated 2026-03-16.

Conditions:
DICER1-related tumor predisposition. Also called: DICER1-related pleuropulmonary blastoma cancer predisposition syndrome; DICER1 syndrome. Identifiers: Orphanet 284343, MedGen C3839822, MONDO:0100216.
Hereditary cancer-predisposing syndrome. Also called: Tumor predisposition; Hereditary neoplastic syndrome; Neoplastic Syndromes, Hereditary; Hereditary Cancer Syndrome. Identifiers: Orphanet 140162, MedGen C0027672, MeSH D009386, MONDO:0015356.

Submissions (2):

Ambry Genetics
Classification: Uncertain significance for Hereditary cancer-predisposing syndrome. Last evaluated: 2026-03-16. Review status: criteria provided, single submitter. Criteria: Ambry Variant Classification Scheme 2023. Collection method: clinical testing. Allele origin: germline.
Comment: The p.M325V variant (also known as c.973A>G), located in coding exon 7 of the DICER1 gene, results from an A to G substitution at nucleotide position 973. The methionine at codon 325 is replaced by valine, an amino acid with highly similar properties. This amino acid position is highly conserved in available vertebrate species. In addition, the in silico prediction for this alteration is inconclusive. Based on the available evidence, the clinical significance of this variant remains unclear.

Labcorp Genetics (formerly Invitae), Labcorp
Classification: Uncertain significance for DICER1-related tumor predisposition. Last evaluated: 2017-08-22. Review status: criteria provided, single submitter. Criteria: Invitae Variant Classification Sherloc (09022015). Collection method: clinical testing. Allele origin: germline.
Comment: This sequence change replaces methionine with valine at codon 325 of the DICER1 protein (p.Met325Val). The methionine residue is highly conserved and there is a small physicochemical difference between methionine and valine. This variant has not been reported in the literature in individuals with DICER1-related disease. This variant is not present in population databases (ExAC no frequency). In summary, the available evidence is currently insufficient to determine the role of this variant in disease. Therefore, it has been classified as a Variant of Uncertain Significance. Algorithms developed to predict the effect of missense changes on protein structure and function (SIFT, PolyPhen-2, Align-GVGD) all suggest that this variant is likely to be tolerated, but these predictions have not been confirmed by published functional studies and their clinical significance is uncertain.